The following is an entry in ClinVar:

ClinVar aggregate classification (germline): Benign. Review status: criteria provided, multiple submitters, no conflicts (2 of 4 stars). 9 submissions from 9 submitters: Benign (6). 3 of the submissions do not count toward it. Last evaluated 2026-02-02.

Conditions:
Acrocallosal syndrome (ACLS). Also called: HALLUX DUPLICATION, POSTAXIAL POLYDACTYLY, AND ABSENCE OF CORPUS CALLOSUM; Schinzel syndrome 1; Absence of corpus callosum with unusual facial appearance, mental deficiency, duplication of the halluces and polydactyly. Identifiers: Orphanet 36, MedGen C0796147, MONDO:0008708, OMIM 200990.

Allele frequency attached by ClinVar (database versions not stated): gnomAD exomes 0.00194 and 0.00435; ExAC 0.00751; ESP Exome Variant Server 0.01887; gnomAD 0.01932 and 0.02077; TOPMed 0.02178; 1000 Genomes Project 30x 0.02249; 1000 Genomes Project 0.02256.
gnomAD v4.1: 5,785 of 1,551,800 alleles (0.37%); highest among the groups gnomAD compares: African/African-American, 6.9%; 198 homozygotes.

Submissions (9):

Labcorp Genetics (formerly Invitae), Labcorp
Classification: Benign for Acrocallosal syndrome. Last evaluated: 2026-02-02. Review status: criteria provided, single submitter. Criteria: Invitae Variant Classification Sherloc (09022015). Collection method: clinical testing. Allele origin: germline.

Mayo Clinic Laboratories, Mayo Clinic
Classification: Benign. Last evaluated: 2023-04-10. Review status: criteria provided, single submitter. Criteria: ACMG Guidelines, 2015. Collection method: clinical testing. Allele origin: germline. Observed: 2 variant alleles.

Illumina Laboratory Services, Illumina
Classification: Benign for Acrocallosal syndrome. Last evaluated: 2018-01-12. Review status: criteria provided, single submitter. Criteria: ICSL Variant Classification Criteria 13 December 2019. Collection method: clinical testing. Allele origin: germline.
Comment: This variant was observed in the ICSL laboratory as part of a predisposition screen in an ostensibly healthy population. It had not been previously curated by ICSL or reported in the Human Gene Mutation Database (HGMD: prior to June 1st, 2018), and was therefore a candidate for classification through an automated scoring system. Utilizing variant allele frequency, disease prevalence and penetrance estimates, and inheritance mode, an automated score was calculated to assess if this variant is too frequent to cause the disease. Based on the score and internal cut-off values, a variant classified as benign is not then subjected to further curation. The score for this variant resulted in a classification of benign for this disease.

GeneDx
Classification: Benign. Last evaluated: 2015-03-03. Review status: criteria provided, single submitter. Criteria: GeneDx Variant Classification Process June 2021. Collection method: clinical testing. Allele origin: germline. Affected: yes.

Breakthrough Genomics
Classification: Benign. Review status: criteria provided, single submitter. Criteria: ACMG Guidelines, 2015. Collection method: not provided. Allele origin: germline. Inheritance: Autosomal recessive inheritance. Affected: yes.

PreventionGenetics, part of Exact Sciences
Classification: Benign. Review status: criteria provided, single submitter. Criteria: ACMG Guidelines, 2015. Collection method: clinical testing. Allele origin: germline.

Clinical Genetics DNA and cytogenetics Diagnostics Lab, Erasmus MC, Erasmus Medical Center
Classification: Benign. Review status: no assertion criteria provided. Collection method: clinical testing. Allele origin: germline. Affected: yes. Study: VKGL Data-share Consensus. Not counted in ClinVar's aggregate classification.

Genetic Services Laboratory, University of Chicago
Classification: Likely benign for AllHighlyPenetrant. Review status: no assertion criteria provided. Collection method: clinical testing. Allele origin: germline. Inheritance: Autosomal recessive inheritance. Not counted in ClinVar's aggregate classification.
Comment: Likely benign based on allele frequency in 1000 Genomes Project or ESP global frequency and its presence in a patient with a rare or unrelated disease phenotype. NOT Sanger confirmed.

Genome Diagnostics Laboratory, University Medical Center Utrecht
Classification: Benign. Review status: no assertion criteria provided. Collection method: clinical testing. Allele origin: germline. Affected: yes. Study: VKGL Data-share Consensus. Not counted in ClinVar's aggregate classification.

NM_198525.3(KIF7):c.216G>A (p.Gln72=)

Gene: KIF7 (kinesin family member 7; minus strand). Cytogenetic location: 15q26.1.
Variant type: single nucleotide variant.
Coding change: c.216G>A on transcript NM_198525.3 (MANE Select); coding-DNA position 216, G replaced by A.
Protein change: p.Gln72=; no amino-acid change (glutamine 72 retained).
Molecular consequence: synonymous variant.
Genome position (GRCh38, 1-based): chr15:89,652,715, C>T on the plus strand (G>A on the coding strand, the complement: KIF7 is on the minus strand). VCF-style: chr15-89652715-C-T. GRCh37 (hg19) VCF-style: chr15-90195946-C-T.
Other names: p.Gln72=.
Identifiers: ClinVar variation 129410 (VCV000129410.25), dbSNP rs113881220, ClinGen allele CA020253.